The following is an entry in ClinVar:

ClinVar aggregate classification (germline): Uncertain significance. Review status: criteria provided, multiple submitters, no conflicts (2 of 4 stars). 2 submissions from 2 submitters: Uncertain significance (2). Last evaluated 2022-02-22.

Allele frequency attached by ClinVar (database versions not stated): ESP Exome Variant Server 0.00008; TOPMed 0.00008; gnomAD 0.00009; gnomAD exomes 0.00009 and 0.00015; ExAC 0.00020.
gnomAD v4.1: 149 of 1,599,736 alleles (0.0093%); highest among the groups gnomAD compares: Non-Finnish European, 0.0061%; 1 homozygote.

Submissions (2):

Labcorp Genetics (formerly Invitae), Labcorp
Classification: Uncertain significance. Last evaluated: 2022-02-22. Review status: criteria provided, single submitter. Criteria: Invitae Variant Classification Sherloc (09022015). Collection method: clinical testing. Allele origin: germline.
Comment: In summary, the available evidence is currently insufficient to determine the role of this variant in disease. Therefore, it has been classified as a Variant of Uncertain Significance. Experimental studies and prediction algorithms are not available or were not evaluated, and the functional significance of this variant is currently unknown. This variant has not been reported in the literature in individuals affected with HTT-related conditions. This variant is present in population databases (rs369912429, gnomAD 0.2%), and has an allele count higher than expected for a pathogenic variant. This sequence change replaces aspartic acid, which is acidic and polar, with glycine, which is neutral and non-polar, at codon 1159 of the HTT protein (p.Asp1159Gly).

Breakthrough Genomics
Classification: Uncertain significance. Review status: criteria provided, single submitter. Criteria: ACMG Guidelines, 2015. Collection method: not provided. Allele origin: germline. Inheritance: Autosomal recessive inheritance. Affected: yes.

NM_001388492.1(HTT):c.3470A>G (p.Asp1157Gly)

Gene: HTT (huntingtin; plus strand). Cytogenetic location: 4p16.3.
Variant type: single nucleotide variant.
Coding change: c.3470A>G on transcript NM_001388492.1 (MANE Select); coding-DNA position 3470, A replaced by G.
Protein change: p.Asp1157Gly; replaces aspartic acid 1157 with glycine.
Molecular consequence: missense variant.
Genome position (GRCh38, 1-based): chr4:3,148,179, A>G. VCF-style: chr4-3148179-A-G. GRCh37 (hg19) VCF-style: chr4-3149906-A-G.
Other names: c.3476A>G, p.Asp1159Gly (NM_002111.8); short protein forms D1157G, D1159G.
Identifiers: ClinVar variation 1368874 (VCV001368874.8), dbSNP rs369912429, ClinGen allele CA2824144.
Genomic context (GRCh38, chr4:3,148,179, plus strand): 5'-TGGTGGAGCAGCTCTTCTCTCACCTGCTGAAGGTGATTAACATTTGTGCCCACGTCCTGG[A>G]TGACGTGGCTCCTGGACCCGCAATAAAGGTAATGTCCCACTTGGGTGCTGGATTCATACA-3'
Protein context (NP_001375421.1, residues 1147-1167): KVINICAHVL[Asp1157Gly]DVAPGPAIKA